The following is an entry in ClinVar:

ClinVar aggregate classification (germline): Conflicting classifications of pathogenicity. Review status: criteria provided, conflicting classifications (1 of 4 stars). 4 submissions from 4 submitters: Likely pathogenic (1); Uncertain significance (2). 1 of the submissions does not count toward it. Last evaluated 2021-10-22.

Conditions:
Holocarboxylase synthetase deficiency. Also called: MULTIPLE CARBOXYLASE DEFICIENCY, EARLY ONSET. Identifiers: Orphanet 79242, MedGen C0268581, MONDO:0009666, OMIM 253270.

Allele frequency attached by ClinVar (database versions not stated): gnomAD 0.00001; gnomAD exomes 0.00001; TOPMed 0.00002; ExAC 0.00003.
gnomAD v4.1: 19 of 1,613,970 alleles (0.0012%); highest among the groups gnomAD compares: Middle Eastern, 0.016%; no homozygotes.

Submissions (4):

Women's Health and Genetics/Laboratory Corporation of America, LabCorp
Classification: Uncertain significance. Last evaluated: 2021-10-22. Review status: criteria provided, single submitter. Criteria: LabCorp Variant Classification Summary - May 2015. Collection method: clinical testing. Allele origin: germline.
Comment: Variant summary: HLCS c.2144A>C (p.Asp715Ala) results in a non-conservative amino acid change located in the Biotin protein ligase, C-terminal domain of the encoded protein sequence. Five of five in-silico tools predict a damaging effect of the variant on protein function. The variant allele was found at a frequency of 1.2e-05 in 251098 control chromosomes. The available data on variant occurrences in the general population are insufficient to allow any conclusion about variant significance. To our knowledge, no occurrence of c.2144A>C in individuals affected with Holocarboxylase Synthetase Deficiency and no experimental evidence demonstrating its impact on protein function have been reported. One clinical diagnostic laboratory has submitted clinical-significance assessments for this variant to ClinVar after 2014 without evidence for independent evaluation and classified the variant as likely pathogenic. A different variant affecting the same codon (p.D715G) has been reported to associate with Holocarboxylase synthetase deficiency (PMID 16134170). Based on the evidence outlined above, the variant was classified as uncertain significance.

Labcorp Genetics (formerly Invitae), Labcorp
Classification: Uncertain significance for Holocarboxylase synthetase deficiency. Last evaluated: 2021-09-24. Review status: criteria provided, single submitter. Criteria: Invitae Variant Classification Sherloc (09022015). Collection method: clinical testing. Allele origin: germline.
Comment: This sequence change replaces aspartic acid with alanine at codon 715 of the HLCS protein (p.Asp715Ala). The aspartic acid residue is highly conserved and there is a moderate physicochemical difference between aspartic acid and alanine. This variant is present in population databases (rs752737867, ExAC 0.005%). This variant has not been reported in the literature in individuals with HLCS-related conditions. Algorithms developed to predict the effect of missense changes on protein structure and function are either unavailable or do not agree on the potential impact of this missense change (SIFT: "Deleterious"; PolyPhen-2: "Probably Damaging"; Align-GVGD: "Class C0"). In summary, the available evidence is currently insufficient to determine the role of this variant in disease. Therefore, it has been classified as a Variant of Uncertain Significance.

Kariminejad - Najmabadi Pathology & Genetics Center
Classification: Likely pathogenic for Holocarboxylase synthetase deficiency. Review status: criteria provided, single submitter. Criteria: ACMG Guidelines, 2015. Collection method: clinical testing. Allele origin: germline. Affected: no.

Mendelics
Classification: Likely pathogenic for Holocarboxylase synthetase deficiency. Last evaluated: 2019-05-28. Review status: flagged submission. Criteria: Mendelics Assertion Criteria 2017. Collection method: clinical testing. Allele origin: unknown. Not counted in ClinVar's aggregate classification.
ClinVar note: Reason: Claim with insufficient supporting evidence

NM_001352514.2(HLCS):c.2585A>C (p.Asp862Ala)

Gene: HLCS (holocarboxylase synthetase; minus strand). Cytogenetic location: 21q22.13.
Variant type: single nucleotide variant.
Coding change: c.2585A>C on transcript NM_001352514.2 (MANE Select); coding-DNA position 2585, A replaced by C.
Protein change: p.Asp862Ala; replaces aspartic acid 862 with alanine.
Molecular consequence: missense variant. On other transcripts: non-coding transcript variant (2).
Genome position (GRCh38, 1-based): chr21:36,754,283, T>G on the plus strand (A>C on the coding strand, the complement: HLCS is on the minus strand). VCF-style: chr21-36754283-T-G. GRCh37 (hg19) VCF-style: chr21-38126584-T-G.
Other names: c.2144A>C, p.Asp715Ala (NM_000411.8, NM_001242784.3, NM_001242785.2 and 4 more transcripts); short protein forms D715A, D862A.
Identifiers: ClinVar variation 803630 (VCV000803630.5), dbSNP rs752737867, ClinGen allele CA10020211.